The following is an entry in ClinVar:

NM_000742.4(CHRNA2):c.644A>G (p.Gln215Arg)

Gene: CHRNA2 (cholinergic receptor nicotinic alpha 2 subunit; minus strand). Cytogenetic location: 8p21.2.
Variant type: single nucleotide variant.
Coding change: c.644A>G on transcript NM_000742.4 (MANE Select); coding-DNA position 644, A replaced by G.
Protein change: p.Gln215Arg; replaces glutamine 215 with arginine.
Molecular consequence: missense variant.
Genome position (GRCh38, 1-based): chr8:27,463,799, T>C on the plus strand (A>G on the coding strand, the complement: CHRNA2 is on the minus strand). VCF-style: chr8-27463799-T-C. GRCh37 (hg19) VCF-style: chr8-27321316-T-C.
Other names: c.599A>G, p.Gln200Arg (NM_001282455.2); c.167A>G, p.Gln56Arg (NM_001347705.2, NM_001347706.2); c.50A>G, p.Gln17Arg (NM_001347707.2, NM_001347708.2); c.644A>G (NM_000742.3); short protein forms Q17R, Q215R, Q200R, Q56R.
Identifiers: ClinVar variation 2005672 (VCV002005672.5), dbSNP rs546670055, ClinGen allele CA4689616.

ClinVar aggregate classification (germline): Uncertain significance. Review status: criteria provided, multiple submitters, no conflicts (2 of 4 stars). 2 submissions from 2 submitters: Uncertain significance (2). Last evaluated 2024-11-22.

Conditions:
Familial sleep-related hypermotor epilepsy. Also called: Autosomal Dominant Sleep-Related Hypermotor (Hyperkinetic) Epilepsy. Identifiers: Orphanet 98784, MedGen C3696898, MONDO:0000030.

Allele frequency attached by ClinVar (database versions not stated): gnomAD 0.00001; 1000 Genomes Project 30x 0.00031; gnomAD exomes below 0.00001; ExAC 0.00001; 1000 Genomes Project 0.00020.
gnomAD v4.1: 2 of 1,614,206 alleles (0.00012%); highest among the groups gnomAD compares: African/African-American, 0.0027%; no homozygotes.

Submissions (2):

GeneDx
Classification: Uncertain significance. Last evaluated: 2024-11-22. Review status: criteria provided, single submitter. Criteria: GeneDx Variant Classification Process June 2021. Collection method: clinical testing. Allele origin: germline. Affected: yes.
Comment: In silico analysis indicates that this missense variant does not alter protein structure/function; Has not been previously published as pathogenic or benign to our knowledge

Labcorp Genetics (formerly Invitae), Labcorp
Classification: Uncertain significance. Last evaluated: 2022-06-13. Review status: criteria provided, single submitter. Criteria: Invitae Variant Classification Sherloc (09022015). Collection method: clinical testing. Allele origin: germline.
Comment: In summary, the available evidence is currently insufficient to determine the role of this variant in disease. Therefore, it has been classified as a Variant of Uncertain Significance. Advanced modeling of protein sequence and biophysical properties (such as structural, functional, and spatial information, amino acid conservation, physicochemical variation, residue mobility, and thermodynamic stability) performed at Invitae indicates that this missense variant is not expected to disrupt CHRNA2 protein function. This variant has not been reported in the literature in individuals affected with CHRNA2-related conditions. This variant is present in population databases (rs546670055, gnomAD 0.007%). This sequence change replaces glutamine, which is neutral and polar, with arginine, which is basic and polar, at codon 215 of the CHRNA2 protein (p.Gln215Arg).